The following is an entry in ClinVar:

ClinVar aggregate classification (germline): Likely benign (1 of 4 stars; one submission).

Conditions:
Juvenile polyposis syndrome (JPS). Identifiers: Orphanet 2929, MedGen C0345893, MONDO:0017380, OMIM 174900.

Submission:

All of Us Research Program, National Institutes of Health
Classification: Likely benign for Juvenile polyposis syndrome. Last evaluated: 2023-08-15. Review status: criteria provided, single submitter. Criteria: ACMG Guidelines, 2015. Collection method: clinical testing. Allele origin: germline. Inheritance: Autosomal dominant inheritance. Observed: 1 variant allele, 1 heterozygote.
Comment: This study involves interpretation of variants in research participants for the purpose of population health screening. Participant phenotype was not available at the time of variant classification. Additional details can be found in publication PMID: 35346344, PMCID: PMC8962531

NM_004329.3(BMPR1A):c.924T>C (p.Ile308=)

Gene: BMPR1A (bone morphogenetic protein receptor type 1A; plus strand). Cytogenetic location: 10q23.2.
Variant type: single nucleotide variant.
Coding change: c.924T>C on transcript NM_004329.3 (MANE Select); coding-DNA position 924, T replaced by C.
Protein change: p.Ile308=; no amino-acid change (isoleucine 308 retained).
Molecular consequence: synonymous variant. On other transcripts: non-coding transcript variant (3).
Genome position (GRCh38, 1-based): chr10:86,919,227, T>C. VCF-style: chr10-86919227-T-C. GRCh37 (hg19) VCF-style: chr10-88678984-T-C.
Other names: c.924T>C, p.Ile308= (NM_001406576.1, NM_001406577.1, NM_001406578.1 and 19 more transcripts); c.918T>C, p.Ile306= (NM_001406583.1); c.840T>C, p.Ile280= (NM_001406584.1, NM_001406585.1, NM_001406586.1 and 2 more transcripts); c.582T>C, p.Ile194= (NM_001406589.1); c.999T>C, p.Ile333= (NM_001406559.1); c.972T>C, p.Ile324= (NM_001406560.1).
Identifiers: ClinVar variation 3072691 (VCV003072691.1), dbSNP rs2539618309, ClinGen allele CA470372702.
Genomic context (GRCh38, chr10:86,919,227, plus strand): 5'-GACAGGTTTCATAGCGGCAGACATTAAAGGTACAGGTTCCTGGACTCAGCTCTATTTGAT[T>C]ACTGATTACCATGAAAATGGATCTCTCTATGACTTCCTGAAATGTGCTACACTGGACACC-3'
Protein context (NP_004320.2, residues 298-318): GTGSWTQLYL[Ile308=]TDYHENGSLY